The following is an entry in ClinVar:

NM_001277115.2(DNAH11):c.3595del (p.Leu1199fs)

Gene: DNAH11 (dynein axonemal heavy chain 11; plus strand). Cytogenetic location: 7p15.3.
Variant type: Deletion.
Coding change: c.3595del on transcript NM_001277115.2 (MANE Select); coding-DNA position 3595, one base deleted (C; older notation c.3595delC).
Protein change: p.Leu1199fs; shifts the reading frame from leucine 1199.
Molecular consequence: frameshift variant.
Genome position (GRCh38, 1-based): chr7:21,601,565, C deleted; the last of 3 consecutive C bases (chr7:21,601,563-21,601,565); deleting any one gives the same sequence. VCF-style (leftmost placement, unchanged base first): chr7-21601562-AC-A. GRCh37 (hg19) VCF-style: chr7-21641180-AC-A.
Other names: short protein forms L1199fs.
Identifiers: ClinVar variation 837909 (VCV000837909.8), dbSNP rs1479385947, ClinGen allele CA836645517.

ClinVar aggregate classification (germline): Pathogenic. Review status: criteria provided, multiple submitters, no conflicts (2 of 4 stars). 3 submissions from 3 submitters: Pathogenic (3). Last evaluated 2024-11-14.

Conditions:
Primary ciliary dyskinesia. Also called: Ciliary dyskinesia. Identifiers: Orphanet 244, MedGen C0008780, MONDO:0016575, HP:0012265.
Primary ciliary dyskinesia 7. Also called: CILIARY DYSKINESIA, PRIMARY, 7, WITH OR WITHOUT SITUS INVERSUS. Identifiers: Orphanet 244, MedGen C2678473, MONDO:0012748, OMIM 611884.

Submissions (3):

Molecular Genetics McLendon Clinical Laboratories, University of North Carolina at Chapel Hill
Classification: Pathogenic for Primary ciliary dyskinesia. Last evaluated: 2024-11-14. Review status: criteria provided, single submitter. Criteria: ACMG Guidelines, 2015. Collection method: clinical testing. Allele origin: germline. Affected: yes.

Labcorp Genetics (formerly Invitae), Labcorp
Classification: Pathogenic for Primary ciliary dyskinesia. Last evaluated: 2024-04-20. Review status: criteria provided, single submitter. Criteria: Invitae Variant Classification Sherloc (09022015). Collection method: clinical testing. Allele origin: germline.
Comment: This sequence change creates a premature translational stop signal (p.Leu1199Serfs*17) in the DNAH11 gene. It is expected to result in an absent or disrupted protein product. Loss-of-function variants in DNAH11 are known to be pathogenic (PMID: 18022865, 20513915, 22184204). This variant is not present in population databases (gnomAD no frequency). This variant has not been reported in the literature in individuals affected with DNAH11-related conditions. ClinVar contains an entry for this variant (Variation ID: 837909). For these reasons, this variant has been classified as Pathogenic.

Equipe Genetique des Anomalies du Developpement, Université de Bourgogne
Classification: Pathogenic for Primary ciliary dyskinesia 7. Last evaluated: 2023-03-23. Review status: criteria provided, single submitter. Criteria: ACMG Guidelines, 2015. Collection method: clinical testing. Allele origin: maternal. Inheritance: Autosomal recessive inheritance. Affected: yes.
Comment: This variant was observed in heterozygosity with variant c.3040C>T

Literature cited by the submitters: PubMed 18022865 (cited by Labcorp Genetics (formerly Invitae), Labcorp); PubMed 20513915 (cited by Labcorp Genetics (formerly Invitae), Labcorp); PubMed 22184204 (cited by Labcorp Genetics (formerly Invitae), Labcorp).